The following is an entry in ClinVar:

NM_022114.4(PRDM16):c.1154A>G (p.Lys385Arg)

Gene: PRDM16 (PR/SET domain 16; plus strand). Cytogenetic location: 1p36.32.
Variant type: single nucleotide variant.
Coding change: c.1154A>G on transcript NM_022114.4 (MANE Select); coding-DNA position 1154, A replaced by G.
Protein change: p.Lys385Arg; replaces lysine 385 with arginine.
Molecular consequence: missense variant.
Genome position (GRCh38, 1-based): chr1:3,405,616, A>G. VCF-style: chr1-3405616-A-G. GRCh37 (hg19) VCF-style: chr1-3322180-A-G.
Other names: c.1154A>G, p.Lys385Arg (NM_199454.3); short protein forms K385R.
Identifiers: ClinVar variation 3671049 (VCV003671049.2).

ClinVar aggregate classification (germline): Uncertain significance (1 of 4 stars; one submission).

Conditions:
Left ventricular noncompaction 8 (LVNC8). Identifiers: Orphanet 154, Orphanet 54260, MedGen C3809288, MONDO:0014152, OMIM 615373.

Submission:

Labcorp Genetics (formerly Invitae), Labcorp
Classification: Uncertain significance for Left ventricular noncompaction 8. Last evaluated: 2024-06-04. Review status: criteria provided, single submitter. Criteria: Invitae Variant Classification Sherloc (09022015). Collection method: clinical testing. Allele origin: germline.
Comment: This sequence change replaces lysine, which is basic and polar, with arginine, which is basic and polar, at codon 385 of the PRDM16 protein (p.Lys385Arg). This variant is not present in population databases (gnomAD no frequency). This variant has not been reported in the literature in individuals affected with PRDM16-related conditions. An algorithm developed to predict the effect of missense changes on protein structure and function (PolyPhen-2) suggests that this variant is likely to be disruptive. In summary, the available evidence is currently insufficient to determine the role of this variant in disease. Therefore, it has been classified as a Variant of Uncertain Significance.